The following is an entry in ClinVar:

ClinVar aggregate classification (germline): Uncertain significance (1 of 4 stars; one submission).

Conditions:
Cardiovascular phenotype. Identifiers: MedGen CN230736.

Submission:

Ambry Genetics
Classification: Uncertain significance for Cardiovascular phenotype. Last evaluated: 2025-12-21. Review status: criteria provided, single submitter. Criteria: Ambry Variant Classification Scheme 2023. Collection method: clinical testing. Allele origin: germline.
Comment: The p.F197V variant (also known as c.589T>G), located in coding exon 6 of the SPRED1 gene, results from a T to G substitution at nucleotide position 589. The phenylalanine at codon 197 is replaced by valine, an amino acid with highly similar properties. This amino acid position is conserved. In addition, the in silico prediction for this alteration is inconclusive. Based on the available evidence, the clinical significance of this variant remains unclear.

NM_152594.3(SPRED1):c.589T>G (p.Phe197Val)

Gene: SPRED1 (sprouty related EVH1 domain containing 1; plus strand). Cytogenetic location: 15q14.
Variant type: single nucleotide variant.
Coding change: c.589T>G on transcript NM_152594.3 (MANE Select); coding-DNA position 589, T replaced by G.
Protein change: p.Phe197Val; replaces phenylalanine 197 with valine.
Molecular consequence: missense variant.
Genome position (GRCh38, 1-based): chr15:38,349,428, T>G. VCF-style: chr15-38349428-T-G. GRCh37 (hg19) VCF-style: chr15-38641629-T-G.
Other names: short protein forms F197V.
Identifiers: ClinVar variation 4843967 (VCV004843967.1).
Genomic context (GRCh38, chr15:38,349,428, plus strand): 5'-TTCATTAAAAGTAAAATTCTTGTGTCATTTAAGTAGAAATTGTTTGTATTTTAGATAACA[T>G]TTGGTCAGCCAGGCTTGGACATTCAGAGCAGAAGTATGGAATACGTACAGCGGCAAATAT-3'
Protein context (NP_689807.1, residues 187-207): YMQSQANQIT[Phe197Val]GQPGLDIQSR